The following is an entry in ClinVar:

NM_025114.4(CEP290):c.4415C>A (p.Ala1472Glu)

Gene: CEP290 (centrosomal protein 290; minus strand). Cytogenetic location: 12q21.32.
Variant type: single nucleotide variant.
Coding change: c.4415C>A on transcript NM_025114.4 (MANE Select); coding-DNA position 4415, C replaced by A.
Protein change: p.Ala1472Glu; replaces alanine 1472 with glutamic acid.
Molecular consequence: missense variant.
Genome position (GRCh38, 1-based): chr12:88,086,061, G>T on the plus strand (C>A on the coding strand, the complement: CEP290 is on the minus strand). VCF-style: chr12-88086061-G-T. GRCh37 (hg19) VCF-style: chr12-88479838-G-T.
Other names: c.4415C>A (NM_025114.3); short protein forms A1472E.
Identifiers: ClinVar variation 1907672 (VCV001907672.4), dbSNP rs557052114, ClinGen allele CA6711943.

ClinVar aggregate classification (germline): Uncertain significance. Review status: criteria provided, multiple submitters, no conflicts (2 of 4 stars). 2 submissions from 2 submitters: Uncertain significance (2). Last evaluated 2025-06-12.

Conditions:
CEP290-related disorder. Also called: CEP290-related disorders; CEP290-related condition. Identifiers: MedGen CN239314.
Nephronophthisis. Also called: Juvenile Nephronophthisis. Identifiers: Orphanet 655, MedGen C0687120, MONDO:0019005, HP:0000090.
Joubert syndrome. Also called: JOUBERT-BOLTSHAUSER SYNDROME; Familial aplasia of the vermis. Identifiers: Orphanet 475, MedGen C5979921, MONDO:0018772.
Meckel-Gruber syndrome. Also called: DYSENCEPHALIA SPLANCHNOCYSTICA; GRUBER SYNDROME; Dysencephalia splachnocystica. Identifiers: Orphanet 564, MedGen C0265215, MONDO:0018921.

Allele frequency attached by ClinVar (database versions not stated): gnomAD exomes below 0.00001; TOPMed below 0.00001; ExAC 0.00001; gnomAD 0.00002; 1000 Genomes Project 30x 0.00016; 1000 Genomes Project 0.00020.

Submissions (2):

Labcorp Genetics (formerly Invitae), Labcorp
Classification: Uncertain significance for Joubert syndrome; Meckel-Gruber syndrome; Nephronophthisis. Last evaluated: 2025-06-12. Review status: criteria provided, single submitter. Criteria: Invitae Variant Classification Sherloc (09022015). Collection method: clinical testing. Allele origin: germline.
Comment: This sequence change replaces alanine, which is neutral and non-polar, with glutamic acid, which is acidic and polar, at codon 1472 of the CEP290 protein (p.Ala1472Glu). This variant is present in population databases (rs557052114, gnomAD 0.01%). This variant has not been reported in the literature in individuals affected with CEP290-related conditions. ClinVar contains an entry for this variant (Variation ID: 1907672). Invitae Evidence Modeling of protein sequence and biophysical properties (such as structural, functional, and spatial information, amino acid conservation, physicochemical variation, residue mobility, and thermodynamic stability) indicates that this missense variant is not expected to disrupt CEP290 protein function with a negative predictive value of 80%. In summary, the available evidence is currently insufficient to determine the role of this variant in disease. Therefore, it has been classified as a Variant of Uncertain Significance.

PreventionGenetics, part of Exact Sciences
Classification: Uncertain significance for CEP290-related condition. Last evaluated: 2025-02-26. Review status: criteria provided, single submitter. Criteria: ACMG Guidelines, 2015. Collection method: clinical testing. Allele origin: germline.
Comment: The CEP290 c.4415C>A variant is predicted to result in the amino acid substitution p.Ala1472Glu. To our knowledge, this variant has not been reported in the literature. This variant is reported in 0.013% of alleles in individuals of African descent in gnomAD. At this time, the clinical significance of this variant is uncertain due to the absence of conclusive functional and genetic evidence.